The following is an entry in ClinVar:

ClinVar aggregate classification (germline): Uncertain significance (1 of 4 stars; one submission).

Submission:

Labcorp Genetics (formerly Invitae), Labcorp
Classification: Uncertain significance. Last evaluated: 2022-08-09. Review status: criteria provided, single submitter. Criteria: Invitae Variant Classification Sherloc (09022015). Collection method: clinical testing. Allele origin: germline.
Comment: In summary, the available evidence is currently insufficient to determine the role of this variant in disease. Therefore, it has been classified as a Variant of Uncertain Significance. Algorithms developed to predict the effect of missense changes on protein structure and function output the following: SIFT: "Tolerated"; PolyPhen-2: "Benign"; Align-GVGD: "Class C0". The aspartic acid amino acid residue is found in multiple mammalian species, which suggests that this missense change does not adversely affect protein function. This variant has not been reported in the literature in individuals affected with FLVCR1-related conditions. This variant is not present in population databases (gnomAD no frequency). This sequence change replaces glycine, which is neutral and non-polar, with aspartic acid, which is acidic and polar, at codon 28 of the FLVCR1 protein (p.Gly28Asp).

NM_014053.4(FLVCR1):c.83G>A (p.Gly28Asp)

Genes: FLVCR1 (FLVCR choline and heme transporter 1; plus strand), LOC129932486 (ATAC-STARR-seq lymphoblastoid silent region 1807; plus strand). Cytogenetic location: 1q32.3.
Variant type: single nucleotide variant.
Coding change: c.83G>A on transcript NM_014053.4 (MANE Select); coding-DNA position 83, G replaced by A.
Protein change: p.Gly28Asp; replaces glycine 28 with aspartic acid.
Molecular consequence: missense variant.
Genome position (GRCh38, 1-based): chr1:212,858,535, G>A. VCF-style: chr1-212858535-G-A. GRCh37 (hg19) VCF-style: chr1-213031877-G-A.
Other names: short protein forms G28D.
Identifiers: ClinVar variation 2117100 (VCV002117100.4), dbSNP rs2464381565, ClinGen allele CA344795175.